The following is an entry in ClinVar:

ClinVar aggregate classification (germline): Uncertain significance (1 of 4 stars; one submission).

Submission:

GeneDx
Classification: Uncertain significance. Last evaluated: 2019-11-21. Review status: criteria provided, single submitter. Criteria: GeneDx Variant Classification Process June 2021. Collection method: clinical testing. Allele origin: germline. Affected: yes.
Comment: Has not been previously published as pathogenic or benign to our knowledge; Not observed in large population cohorts (Lek et al., 2016); Nonsense variant predicted to result in protein truncation or nonsense mediated decay in a gene for which loss-of-function is not a known mechanism of disease

NM_001999.4(FBN2):c.4831G>T (p.Gly1611Ter)

Gene: FBN2 (fibrillin 2; minus strand). Cytogenetic location: 5q23.3.
Variant type: single nucleotide variant.
Coding change: c.4831G>T on transcript NM_001999.4 (MANE Select); coding-DNA position 4831, G replaced by T.
Protein change: p.Gly1611Ter; replaces glycine 1611 with a stop codon.
Molecular consequence: nonsense.
Genome position (GRCh38, 1-based): chr5:128,312,682, C>A on the plus strand (G>T on the coding strand, the complement: FBN2 is on the minus strand). VCF-style: chr5-128312682-C-A. GRCh37 (hg19) VCF-style: chr5-127648374-C-A.
Other names: short protein forms G1611*.
Identifiers: ClinVar variation 1310300 (VCV001310300.2), dbSNP rs2126847628, ClinGen allele CA360746580.
Genomic context (GRCh38, chr5:128,312,682, plus strand): 5'-CTTTGTACTTACTGCTATTGACAGGGGGGCATGTCTCACAGGGGTTTCCCCAGGCCTTTC[C>A]CAGAGAGCAGCAGCATGAAGAGCGACTGACGCCCACCCCGATCTCGGTGTTGCAAGACAG-3'